The following is an entry in ClinVar:

ClinVar aggregate classification (germline): Benign. Review status: criteria provided, multiple submitters, no conflicts (2 of 4 stars). 7 submissions from 7 submitters: Benign (6). 1 of the submissions does not count toward it. Last evaluated 2026-02-02.

Conditions:
Methylmalonic acidemia with homocystinuria, type cblX (MAHCX). Also called: INTELLECTUAL DEVELOPMENTAL DISORDER, X-LINKED 3. Identifiers: Orphanet 369962, MedGen C0796208, MONDO:0010657, OMIM 309541.

Allele frequency attached by ClinVar (database versions not stated): gnomAD exomes 0.00396; 1000 Genomes Project 30x 0.01311; gnomAD 0.01804 and 0.01687; ExAC 0.00970; 1000 Genomes Project 0.01272; ESP Exome Variant Server 0.01692; TOPMed 0.01868.

Submissions (7):

Labcorp Genetics (formerly Invitae), Labcorp
Classification: Benign for Methylmalonic acidemia with homocystinuria, type cblX. Last evaluated: 2026-02-02. Review status: criteria provided, single submitter. Criteria: Invitae Variant Classification Sherloc (09022015). Collection method: clinical testing. Allele origin: germline.

ARUP Laboratories, Molecular Genetics and Genomics, ARUP Laboratories
Classification: Benign for Methylmalonic acidemia with homocystinuria, type cblX. Last evaluated: 2023-09-08. Review status: criteria provided, single submitter. Criteria: ARUP Molecular Germline Variant Investigation Process 2024. Collection method: clinical testing. Allele origin: germline.

Mayo Clinic Laboratories, Mayo Clinic
Classification: Benign. Last evaluated: 2020-01-07. Review status: criteria provided, single submitter. Criteria: ACMG Guidelines, 2015. Collection method: clinical testing. Allele origin: germline. Observed: 5 variant alleles.

GeneDx
Classification: Benign. Last evaluated: 2016-02-17. Review status: criteria provided, single submitter. Criteria: GeneDx Variant Classification (06012015). Collection method: clinical testing. Allele origin: germline. Affected: yes.
Comment: This variant is considered likely benign or benign based on one or more of the following criteria: it is a conservative change, it occurs at a poorly conserved position in the protein, it is predicted to be benign by multiple in silico algorithms, and/or has population frequency not consistent with disease.

Eurofins Ntd Llc (ga)
Classification: Benign. Last evaluated: 2014-12-03. Review status: criteria provided, single submitter. Criteria: EGL Classification Definitions 2015. Collection method: clinical testing. Allele origin: germline. Observed: 1 variant allele, 1 hemizygote.

Breakthrough Genomics
Classification: Benign. Review status: criteria provided, single submitter. Criteria: ACMG Guidelines, 2015. Collection method: not provided. Allele origin: germline. Inheritance: X-linked inheritance. Affected: yes.

Genetic Services Laboratory, University of Chicago
Classification: Likely benign for AllHighlyPenetrant. Review status: no assertion criteria provided. Collection method: clinical testing. Allele origin: germline. Inheritance: X-linked inheritance. Not counted in ClinVar's aggregate classification.
Comment: Likely benign based on allele frequency in 1000 Genomes Project or ESP global frequency and its presence in a patient with a rare or unrelated disease phenotype. NOT Sanger confirmed.

NM_005334.3(HCFC1):c.3568G>A (p.Gly1190Ser)

Gene: HCFC1 (host cell factor C1; minus strand). Cytogenetic location: Xq28.
Variant type: single nucleotide variant.
Coding change: c.3568G>A on transcript NM_005334.3 (MANE Select); coding-DNA position 3568, G replaced by A.
Protein change: p.Gly1190Ser; replaces glycine 1190 with serine.
Molecular consequence: missense variant.
Genome position (GRCh38, 1-based): chrX:153,954,831, C>T on the plus strand (G>A on the coding strand, the complement: HCFC1 is on the minus strand). VCF-style: chrX-153954831-C-T. GRCh37 (hg19) VCF-style: chrX-153220282-C-T.
Other names: p.Gly1190Ser; short protein forms G1190S.
Identifiers: ClinVar variation 129221 (VCV000129221.24), dbSNP rs185987427, ClinGen allele CA153072.